The following is an entry in ClinVar:

NM_024769.5(CLMP):c.244C>T (p.Arg82Ter)

Gene: CLMP (CXADR like cell adhesion molecule; minus strand). Cytogenetic location: 11q24.1.
Variant type: single nucleotide variant.
Coding change: c.244C>T on transcript NM_024769.5 (MANE Select); coding-DNA position 244, C replaced by T.
Protein change: p.Arg82Ter; replaces arginine 82 with a stop codon.
Molecular consequence: nonsense.
Genome position (GRCh38, 1-based): chr11:123,084,656, G>A on the plus strand (C>T on the coding strand, the complement: CLMP is on the minus strand). VCF-style: chr11-123084656-G-A. GRCh37 (hg19) VCF-style: chr11-122955364-G-A.
Other names: short protein forms R82*.
Identifiers: ClinVar variation 4845683 (VCV004845683.1).

ClinVar aggregate classification (germline): Likely pathogenic (1 of 4 stars; one submission).

Conditions:
Congenital short bowel syndrome, autosomal recessive. Identifiers: MedGen CN296805, MONDO:0020718, OMIM 615237.

gnomAD v4.1: 2 of 1,614,124 alleles (0.00012%); highest among the groups gnomAD compares: Non-Finnish European, 0.00017%; no homozygotes.

Submission:

First Genomix Gene Laboratory, Genetic Diagnostics Department
Classification: Likely pathogenic for Congenital short bowel syndrome, autosomal recessive. Last evaluated: 2025-01-28. Review status: criteria provided, single submitter. Criteria: ACMG Guidelines, 2015. Collection method: clinical testing. Allele origin: germline. Inheritance: Autosomal recessive inheritance. Affected: no. Observed: 1 variant allele.